The following is an entry in ClinVar:

ClinVar aggregate classification (germline): Likely pathogenic (1 of 4 stars; one submission).

Conditions:
Hermansky-Pudlak syndrome 1 (HPS1). Also called: DELTA STORAGE POOL DISEASE. Identifiers: Orphanet 231500, Orphanet 79430, MedGen C2931875, MONDO:0008748, OMIM 203300.

Submission:

Juno Genomics, Hangzhou Juno Genomics, Inc
Classification: Likely pathogenic for Hermansky-Pudlak syndrome 1. Review status: criteria provided, single submitter. Criteria: ACMG Guidelines, 2015. Collection method: clinical testing. Allele origin: germline.
Comment: Null variant in a gene where loss of function (LOF) is a known mechanism of disease.;Absent from controls (or at extremely low frequency if recessive) in Genome Aggregation Database.

NM_000195.5(HPS1):c.852dup (p.Ser285fs)

Gene: HPS1 (HPS1 biogenesis of lysosomal organelles complex 3 subunit 1; minus strand). Cytogenetic location: 10q24.2.
Variant type: Duplication.
Coding change: c.852dup on transcript NM_000195.5 (MANE Select); coding-DNA position 852, one base duplicated (G; older notation c.852dupG).
Protein change: p.Ser285fs; shifts the reading frame from serine 285.
Molecular consequence: frameshift variant. On other transcripts: 5 prime UTR variant (1), intron variant (8).
Genome position (GRCh38, 1-based): chr10:98,429,806, C duplicated on the plus strand (G on the coding strand, the reverse complement: HPS1 is on the minus strand); the first of 6 consecutive C bases (chr10:98,429,806-98,429,811); duplicating any one gives the same sequence. VCF-style (leftmost placement, unchanged base first): chr10-98429805-T-TC. GRCh37 (hg19) VCF-style: chr10-100189562-T-TC.
Other names: c.852dup, p.Ser285fs (NM_001322476.2, NM_001322477.2, NM_182639.4); c.591dup, p.Ser198fs (NM_001322480.2, NM_001322481.2); c.483dup, p.Ser162fs (NM_001322483.2, NM_001322484.2); c.-121dup (NM_001322487.2); c.734dup, p.Ala246fs (NM_001322490.2); c.769-164dup (NM_001322478.2, NM_001322479.2, NM_001322491.2); c.400-164dup (NM_001322485.2); c.508-164dup (NM_001322482.2); and 2 more; short protein forms A246fs, S162fs, S198fs, S285fs.
Identifiers: ClinVar variation 5007753 (VCV005007753.2).